The following is an entry in ClinVar:

ClinVar aggregate classification (germline): Pathogenic/Likely pathogenic. Review status: criteria provided, multiple submitters, no conflicts (2 of 4 stars). 2 submissions from 2 submitters: Pathogenic (1); Likely pathogenic (1). Last evaluated 2024-02-27.

Conditions:
Multiple acyl-CoA dehydrogenase deficiency (MADD). Also called: Glutaric Acidemia type 2; ETHYLMALONIC-ADIPICACIDURIA; GA II; Glutaric aciduria, type 2; Glutaric acidemia type II; GA 2. Identifiers: Orphanet 26791, MedGen C0268596, MONDO:0009282, OMIM 231680.
Glutaric acidemia type 2C.

Submissions (2):

Natera, Inc.
Classification: Likely pathogenic for Glutaric acidemia type 2C. Last evaluated: 2024-02-27. Review status: criteria provided, single submitter. Criteria: Natera Variant Classification Schema (03/2026). Collection method: clinical testing. Allele origin: germline.
Comment: The c.1745delA variant in ETFDH is a frameshift variant predicted to elongate the protein beyond the termination codon. This variant is expected to result in nonsense mediated decay, truncation, or a dysfunctional protein product. This variant is rare in the general population with a frequency below the threshold expected for the associated phenotype(s). Given the available evidence, this variant is classified as Likely Pathogenic.

Labcorp Genetics (formerly Invitae), Labcorp
Classification: Pathogenic for Multiple acyl-CoA dehydrogenase deficiency. Last evaluated: 2022-07-05. Review status: criteria provided, single submitter. Criteria: Invitae Variant Classification Sherloc (09022015). Collection method: clinical testing. Allele origin: germline.
Comment: For these reasons, this variant has been classified as Pathogenic. This variant disrupts a region of the ETFDH protein in which other variant(s) (p.Trp603*) have been determined to be pathogenic (Invitae). This suggests that this is a clinically significant region of the protein, and that variants that disrupt it are likely to be disease-causing. ClinVar contains an entry for this variant (Variation ID: 1031423). This variant has not been reported in the literature in individuals affected with ETFDH-related conditions. This variant is not present in population databases (gnomAD no frequency). This sequence change results in a frameshift in the ETFDH gene (p.Asn582Metfs*57). While this is not anticipated to result in nonsense mediated decay, it is expected to disrupt the last 36 amino acid(s) of the ETFDH protein and extend the protein by 20 additional amino acid residues.

NM_004453.4(ETFDH):c.1745del (p.Asn582fs)

Gene: ETFDH (electron transfer flavoprotein dehydrogenase; plus strand). Cytogenetic location: 4q32.1.
Variant type: Deletion.
Coding change: c.1745del on transcript NM_004453.4 (MANE Select); coding-DNA position 1745, one base deleted (A; older notation c.1745delA).
Protein change: p.Asn582fs; shifts the reading frame from asparagine 582.
Molecular consequence: frameshift variant.
Genome position (GRCh38, 1-based): chr4:158,708,418, A deleted; the last of 3 consecutive A bases (chr4:158,708,416-158,708,418); deleting any one gives the same sequence. VCF-style (leftmost placement, unchanged base first): chr4-158708415-TA-T. GRCh37 (hg19) VCF-style: chr4-159629567-TA-T.
Other names: c.1745delA (NM_004453.3); c.1604del, p.Asn535fs (NM_001281737.2); c.1562del, p.Asn521fs (NM_001281738.1); short protein forms N582fs, N535fs, N521fs.
Identifiers: ClinVar variation 1031423 (VCV001031423.12), dbSNP rs1774698674, ClinGen allele CA1506882120.